The following is an entry in ClinVar:

NM_014844.5(TECPR2):c.1789C>T (p.Leu597Phe)

Gene: TECPR2 (tectonin beta-propeller repeat containing 2; plus strand). Cytogenetic location: 14q32.31.
Variant type: single nucleotide variant.
Coding change: c.1789C>T on transcript NM_014844.5 (MANE Select); coding-DNA position 1789, C replaced by T.
Protein change: p.Leu597Phe; replaces leucine 597 with phenylalanine.
Molecular consequence: missense variant.
Genome position (GRCh38, 1-based): chr14:102,434,606, C>T. VCF-style: chr14-102434606-C-T. GRCh37 (hg19) VCF-style: chr14-102900943-C-T.
Other names: c.1789C>T, p.Leu597Phe (NM_001172631.3); c.1789C>T (NM_014844.4); short protein forms L597F.
Identifiers: ClinVar variation 511254 (VCV000511254.23), dbSNP rs116185336, ClinGen allele CA7357786.

ClinVar aggregate classification (germline): Benign/Likely benign. Review status: criteria provided, multiple submitters, no conflicts (2 of 4 stars). 7 submissions from 7 submitters: Benign (2); Likely benign (4). 1 of the submissions does not count toward it. Last evaluated 2026-07-01.

Conditions:
TECPR2-related disorder. Also called: TECPR2-related condition.
Hereditary spastic paraplegia. Also called: Familial spastic paraparesis. Identifiers: Orphanet 685, MedGen C0037773, MONDO:0019064. Disease mechanism: loss of function.
Hereditary spastic paraplegia 49 (HSAN9). Also called: NEUROPATHY, HEREDITARY SENSORY AND AUTONOMIC, TYPE IX, WITH DEVELOPMENTAL DELAY; Spastic paraplegia 49, autosomal recessive; TECPR2-Related Hereditary Sensory and Autonomic Neuropathy with Intellectual Disability. Identifiers: Orphanet 320385, MedGen C5190860, MONDO:0014016, OMIM 615031.

Allele frequency attached by ClinVar (database versions not stated): gnomAD exomes 0.00035 and 0.00087; ExAC 0.00096; 1000 Genomes Project 0.00260; 1000 Genomes Project 30x 0.00297; gnomAD 0.00363; TOPMed 0.00369; ESP Exome Variant Server 0.00408.
gnomAD v4.1: 1,038 of 1,573,066 alleles (0.066%); highest among the groups gnomAD compares: African/African-American, 1.2%; 3 homozygotes.

Submissions (7):

CeGaT Center for Human Genetics Tuebingen
Classification: Likely benign. Last evaluated: 2026-07-01. Review status: criteria provided, single submitter. Criteria: CeGaT Center For Human Genetics Tuebingen Variant Classification Criteria Version 2. Collection method: clinical testing. Allele origin: germline. Affected: yes. Observed: 2 variant alleles.
Comment: TECPR2: BP4, BS1

Labcorp Genetics (formerly Invitae), Labcorp
Classification: Benign for Hereditary spastic paraplegia 49. Last evaluated: 2026-01-19. Review status: criteria provided, single submitter. Criteria: Invitae Variant Classification Sherloc (09022015). Collection method: clinical testing. Allele origin: germline.

PreventionGenetics, part of Exact Sciences
Classification: Benign for TECPR2-related condition. Last evaluated: 2025-06-26. Review status: criteria provided, single submitter. Criteria: ACMG Guidelines, 2015. Collection method: clinical testing. Allele origin: germline.
Comment: This variant is classified as benign based on ACMG/AMP sequence variant interpretation guidelines (Richards et al. 2015 PMID: 25741868, with internal and published modifications).

Blueprint Genetics
Classification: Likely benign. Last evaluated: 2024-10-08. Review status: criteria provided, single submitter. Criteria: ACMG Guidelines, 2015. Collection method: clinical testing. Allele origin: germline.

GeneDx
Classification: Likely benign. Last evaluated: 2017-08-07. Review status: criteria provided, single submitter. Criteria: GeneDx Variant Classification (06012015). Collection method: clinical testing. Allele origin: germline. Affected: yes.
Comment: This variant is considered likely benign or benign based on one or more of the following criteria: it is a conservative change, it occurs at a poorly conserved position in the protein, it is predicted to be benign by multiple in silico algorithms, and/or has population frequency not consistent with disease.

Genome Diagnostics Laboratory, The Hospital for Sick Children
Classification: Likely benign for Hereditary spastic paraplegia. Last evaluated: 2017-06-26. Review status: criteria provided, single submitter. Criteria: ACMG Guidelines, 2015. Collection method: clinical testing. Allele origin: germline. Affected: yes.

Natera, Inc.
Classification: Benign for Autosomal recessive spastic paraplegia type 49. Last evaluated: 2019-12-10. Review status: no assertion criteria provided. Collection method: clinical testing. Allele origin: germline. Not counted in ClinVar's aggregate classification.